The following is an entry in ClinVar:

NM_000218.3(KCNQ1):c.915G>C (p.Trp305Cys)

Gene: KCNQ1 (potassium voltage-gated channel subfamily Q member 1; plus strand). Cytogenetic location: 11p15.5.
Variant type: single nucleotide variant.
Coding change: c.915G>C on transcript NM_000218.3 (MANE Select); coding-DNA position 915, G replaced by C.
Protein change: p.Trp305Cys; replaces tryptophan 305 with cysteine.
Molecular consequence: missense variant. On other transcripts: intron variant (1).
Genome position (GRCh38, 1-based): chr11:2,572,980, G>C. VCF-style: chr11-2572980-G-C. GRCh37 (hg19) VCF-style: chr11-2594210-G-C.
Other names: c.915G>C, p.Trp305Cys (NM_001406836.1); c.645G>C, p.Trp215Cys (NM_001406837.1); c.534G>C, p.Trp178Cys (NM_181798.2); c.478-10455G>C (NM_001406838.1); short protein forms W215C, W178C, W305C.
Identifiers: ClinVar variation 2837284 (VCV002837284.4), dbSNP rs1488745091, ClinGen allele CA379131774.

ClinVar aggregate classification (germline): Likely pathogenic. Review status: criteria provided, multiple submitters, no conflicts (2 of 4 stars). 2 submissions from 2 submitters: Likely pathogenic (2). Last evaluated 2025-05-21.

Conditions:
Long QT syndrome (LQTS). Identifiers: MedGen C0023976, MeSH D008133, MONDO:0002442. Disease mechanism: loss of function. Inheritance: Various modes of inheritance.
Long QT syndrome 1 (LQT1). Identifiers: Orphanet 101016, Orphanet 768, MedGen C4551647, MONDO:0100316, OMIM 192500, MONDO:0008646.

Submissions (2):

KardioGenetik, Herz- und Diabeteszentrum NRW
Classification: Likely pathogenic for Long QT syndrome 1. Last evaluated: 2025-05-21. Review status: criteria provided, single submitter. Criteria: ACMG Guidelines, 2015. Collection method: clinical testing. Allele origin: unknown. Affected: yes. Observed: 1 variant allele.
Comment: It co-occurs with the variant of uncertain significance in the CACNA1C-gene NM_000719.7:c.3560G>A. According to the Clinical Genome Resource (ClinGen), variants in KCNQ1 are a definitive cause of Long QT Syndrome type 1 (LQTS1). Several lines of evidence support the pathogenicity of this variant: it has been reported in at least three patients with Long QT Syndrome (PMID 19490272, PMID 22456477) and is absent from general population cohorts, as indicated by the gnomAD database. The amino acid substitution Trp305Cys is predicted to be clearly "damaging" by the REVEL meta-prediction algorithm. Moreover, the variant is located within the pore region of the ion channel, and other substitutions at the same amino acid position (Trp305Ser, Trp305Arg) have been classified as at least likely pathogenic.

Labcorp Genetics (formerly Invitae), Labcorp
Classification: Likely pathogenic for Long QT syndrome. Last evaluated: 2024-03-07. Review status: criteria provided, single submitter. Criteria: Invitae Variant Classification Sherloc (09022015). Collection method: clinical testing. Allele origin: germline.
Comment: This sequence change replaces tryptophan, which is neutral and slightly polar, with cysteine, which is neutral and slightly polar, at codon 305 of the KCNQ1 protein (p.Trp305Cys). This variant is not present in population databases (gnomAD no frequency). This missense change has been observed in individual(s) with long QT syndrome (PMID: 19490272, 22456477; Invitae). Advanced modeling of protein sequence and biophysical properties (such as structural, functional, and spatial information, amino acid conservation, physicochemical variation, residue mobility, and thermodynamic stability) performed at Invitae indicates that this missense variant is expected to disrupt KCNQ1 protein function with a positive predictive value of 95%. This variant disrupts the p.Trp305 amino acid residue in KCNQ1. Other variant(s) that disrupt this residue have been determined to be pathogenic (PMID: 9781056, 15840476, 19490272, 19716085, 21451124, 22456477, 23139254). This suggests that this residue is clinically significant, and that variants that disrupt this residue are likely to be disease-causing. In summary, the currently available evidence indicates that the variant is pathogenic, but additional data are needed to prove that conclusively. Therefore, this variant has been classified as Likely Pathogenic.

Literature cited by the submitters: PubMed 19490272 (cited by KardioGenetik, Herz- und Diabeteszentrum NRW and Labcorp Genetics (formerly Invitae), Labcorp); PubMed 22456477 (cited by KardioGenetik, Herz- und Diabeteszentrum NRW and Labcorp Genetics (formerly Invitae), Labcorp); PubMed 9781056 (cited by Labcorp Genetics (formerly Invitae), Labcorp); PubMed 15840476 (cited by Labcorp Genetics (formerly Invitae), Labcorp); PubMed 19716085 (cited by Labcorp Genetics (formerly Invitae), Labcorp); PubMed 21451124 (cited by Labcorp Genetics (formerly Invitae), Labcorp); PubMed 23139254 (cited by Labcorp Genetics (formerly Invitae), Labcorp).